The following is an entry in ClinVar:

NM_000051.4(ATM):c.3596A>C (p.Glu1199Ala)

Gene: ATM (ATM serine/threonine kinase; plus strand). Cytogenetic location: 11q22.3.
Variant type: single nucleotide variant.
Coding change: c.3596A>C on transcript NM_000051.4 (MANE Select); coding-DNA position 3596, A replaced by C.
Protein change: p.Glu1199Ala; replaces glutamic acid 1199 with alanine.
Molecular consequence: missense variant.
Genome position (GRCh38, 1-based): chr11:108,282,729, A>C. VCF-style: chr11-108282729-A-C. GRCh37 (hg19) VCF-style: chr11-108153456-A-C.
Other names: c.3596A>C, p.Glu1199Ala (NM_001351834.2); short protein forms E1199A.
Identifiers: ClinVar variation 1720457 (VCV001720457.5), dbSNP rs876660855, ClinGen allele CA382522604.

ClinVar aggregate classification (germline): Uncertain significance (1 of 4 stars; one submission).

Conditions:
Ataxia-telangiectasia syndrome (AT). Also called: Cerebello-oculocutaneous telangiectasia; ATAXIA-TELANGIECTASIA, COMPLEMENTATION GROUP A; ATAXIA-TELANGIECTASIA, FRESNO VARIANT; Ataxia-telangiectasia, complementation group D; AT, COMPLEMENTATION GROUP C; Immunodeficiency with ataxia telangiectasia. Identifiers: Orphanet 100, MedGen C0004135, MONDO:0008840, OMIM 208900.

Submission:

Labcorp Genetics (formerly Invitae), Labcorp
Classification: Uncertain significance for Ataxia-telangiectasia syndrome. Last evaluated: 2022-10-14. Review status: criteria provided, single submitter. Criteria: Invitae Variant Classification Sherloc (09022015). Collection method: clinical testing. Allele origin: germline.
Comment: This sequence change replaces glutamic acid, which is acidic and polar, with alanine, which is neutral and non-polar, at codon 1199 of the ATM protein (p.Glu1199Ala). This variant is not present in population databases (gnomAD no frequency). This variant has not been reported in the literature in individuals affected with ATM-related conditions. Algorithms developed to predict the effect of missense changes on protein structure and function output the following: SIFT: "Tolerated"; PolyPhen-2: "Benign"; Align-GVGD: "Class C0". The alanine amino acid residue is found in multiple mammalian species, which suggests that this missense change does not adversely affect protein function. In summary, the available evidence is currently insufficient to determine the role of this variant in disease. Therefore, it has been classified as a Variant of Uncertain Significance.